The following is an entry in ClinVar:

ClinVar aggregate classification (germline): Uncertain significance. Review status: criteria provided, multiple submitters, no conflicts (2 of 4 stars). 3 submissions from 3 submitters: Uncertain significance (3). Last evaluated 2025-09-03.

Conditions:
Inborn genetic diseases. Identifiers: MedGen C0950123, MeSH D030342.

Allele frequency attached by ClinVar (database versions not stated): gnomAD 0.00003 and 0.00004; gnomAD exomes 0.00003; TOPMed 0.00003; ExAC 0.00017.
gnomAD v4.1: 48 of 1,592,622 alleles (0.003%); highest among the groups gnomAD compares: Admixed American, 0.0053%; no homozygotes.

Submissions (3):

Labcorp Genetics (formerly Invitae), Labcorp
Classification: Uncertain significance. Last evaluated: 2025-09-03. Review status: criteria provided, single submitter. Criteria: Invitae Variant Classification Sherloc (09022015). Collection method: clinical testing. Allele origin: germline.
Comment: This sequence change replaces alanine, which is neutral and non-polar, with threonine, which is neutral and polar, at codon 1283 of the MCM3AP protein (p.Ala1283Thr). This variant is present in population databases (rs776810568, gnomAD 0.01%). This variant has not been reported in the literature in individuals affected with MCM3AP-related conditions. ClinVar contains an entry for this variant (Variation ID: 1363806). An algorithm developed to predict the effect of missense changes on protein structure and function (PolyPhen-2) suggests that this variant is likely to be disruptive. In summary, the available evidence is currently insufficient to determine the role of this variant in disease. Therefore, it has been classified as a Variant of Uncertain Significance.

Ambry Genetics
Classification: Uncertain significance for Inborn genetic diseases. Last evaluated: 2024-07-22. Review status: criteria provided, single submitter. Criteria: Ambry Variant Classification Scheme 2023. Collection method: clinical testing. Allele origin: germline.

Blueprint Genetics
Classification: Uncertain significance. Last evaluated: 2024-06-14. Review status: criteria provided, single submitter. Criteria: ACMG Guidelines, 2015. Collection method: clinical testing. Allele origin: germline.

NM_003906.5(MCM3AP):c.3847G>A (p.Ala1283Thr)

Gene: MCM3AP (minichromosome maintenance complex component 3 associated protein; minus strand). Cytogenetic location: 21q22.3.
Variant type: single nucleotide variant.
Coding change: c.3847G>A on transcript NM_003906.5 (MANE Select); coding-DNA position 3847, G replaced by A.
Protein change: p.Ala1283Thr; replaces alanine 1283 with threonine.
Molecular consequence: missense variant.
Genome position (GRCh38, 1-based): chr21:46,256,874, C>T on the plus strand (G>A on the coding strand, the complement: MCM3AP is on the minus strand). VCF-style: chr21-46256874-C-T. GRCh37 (hg19) VCF-style: chr21-47676788-C-T.
Other names: c.3847G>A (NM_003906.3); short protein forms A1283T.
Identifiers: ClinVar variation 1363806 (VCV001363806.9), dbSNP rs776810568, ClinGen allele CA10076347.